The following is an entry in ClinVar:

ClinVar aggregate classification (germline): Uncertain significance (1 of 4 stars; one submission).

Conditions:
F5-related disorder. Also called: F5-related condition.

Submission:

PreventionGenetics, part of Exact Sciences
Classification: Uncertain significance for F5-related condition. Last evaluated: 2023-06-16. Review status: criteria provided, single submitter. Criteria: ACMG Guidelines, 2015. Collection method: clinical testing. Allele origin: germline.
Comment: The F5 c.6570C>A variant is predicted to result in the amino acid substitution p.Asn2190Lys. To our knowledge, this variant has not been reported in the literature or in a large population database, indicating this variant is rare. At this time, the clinical significance of this variant is uncertain due to the absence of conclusive functional and genetic evidence.

NM_000130.5(F5):c.6570C>A (p.Asn2190Lys)

Gene: F5 (coagulation factor V; minus strand). Cytogenetic location: 1q24.2.
Variant type: single nucleotide variant.
Coding change: c.6570C>A on transcript NM_000130.5 (MANE Select); coding-DNA position 6570, C replaced by A.
Protein change: p.Asn2190Lys; replaces asparagine 2190 with lysine.
Molecular consequence: missense variant.
Genome position (GRCh38, 1-based): chr1:169,514,418, G>T on the plus strand (C>A on the coding strand, the complement: F5 is on the minus strand). VCF-style: chr1-169514418-G-T. GRCh37 (hg19) VCF-style: chr1-169483656-G-T.
Other names: short protein forms N2190K.
Identifiers: ClinVar variation 2632465 (VCV002632465.1), dbSNP rs2526327518, ClinGen allele CA343117611.